The following is an entry in ClinVar:

ClinVar aggregate classification (germline): Uncertain significance (1 of 4 stars; one submission).

Submission:

Labcorp Genetics (formerly Invitae), Labcorp
Classification: Uncertain significance. Last evaluated: 2022-12-26. Review status: criteria provided, single submitter. Criteria: Invitae Variant Classification Sherloc (09022015). Collection method: clinical testing. Allele origin: germline.
Comment: In summary, the available evidence is currently insufficient to determine the role of this variant in disease. Therefore, it has been classified as a Variant of Uncertain Significance. Advanced modeling of protein sequence and biophysical properties (such as structural, functional, and spatial information, amino acid conservation, physicochemical variation, residue mobility, and thermodynamic stability) performed at Invitae indicates that this missense variant is not expected to disrupt ROBO2 protein function. This variant has not been reported in the literature in individuals affected with ROBO2-related conditions. This variant is not present in population databases (gnomAD no frequency). This sequence change replaces proline, which is neutral and non-polar, with arginine, which is basic and polar, at codon 445 of the ROBO2 protein (p.Pro445Arg).

NM_001395656.1(ROBO2):c.1346C>G (p.Pro449Arg)

Gene: ROBO2 (roundabout guidance receptor 2; plus strand). Cytogenetic location: 3p12.3.
Variant type: single nucleotide variant.
Coding change: c.1346C>G on transcript NM_001395656.1 (MANE Select); coding-DNA position 1346, C replaced by G.
Protein change: p.Pro449Arg; replaces proline 449 with arginine.
Molecular consequence: missense variant. On other transcripts: 5 prime UTR variant (1).
Genome position (GRCh38, 1-based): chr3:77,558,046, C>G. VCF-style: chr3-77558046-C-G. GRCh37 (hg19) VCF-style: chr3-77607197-C-G.
Other names: c.1403C>G, p.Pro468Arg (NM_001395657.1, NM_001394212.1, NM_001394214.1); c.1334C>G, p.Pro445Arg (NM_002942.5, NM_001378193.1, NM_001378197.1); c.1415C>G, p.Pro472Arg (NM_001378198.1, NM_001378199.1, NM_001394213.1 and 2 more transcripts); c.1394C>G, p.Pro465Arg (NM_001378200.1, NM_001378201.1, NM_001378203.1 and 4 more transcripts); c.1346C>G, p.Pro449Arg (NM_001378202.1, NM_001290039.2, NM_001290040.2); c.1382C>G, p.Pro461Arg (NM_001128929.3); c.-585C>G (NM_001290065.2); short protein forms P449R, P461R, P465R, P468R, P445R, P472R.
Identifiers: ClinVar variation 2903731 (VCV002903731.3), dbSNP rs2093186519, ClinGen allele CA353576523.